The following is an entry in ClinVar:

ClinVar aggregate classification (germline): Pathogenic (1 of 4 stars; one submission).

Conditions:
Ataxia-telangiectasia syndrome (AT). Also called: LOUIS-BAR SYNDROME; Cerebello-oculocutaneous telangiectasia; Immunodeficiency with ataxia telangiectasia; AT, COMPLEMENTATION GROUP C; Ataxia-telangiectasia, complementation group D; ATAXIA-TELANGIECTASIA, COMPLEMENTATION GROUP A. Identifiers: Orphanet 100, MedGen C0004135, MONDO:0008840, OMIM 208900.

Submission:

Labcorp Genetics (formerly Invitae), Labcorp
Classification: Pathogenic for Ataxia-telangiectasia syndrome. Last evaluated: 2022-11-15. Review status: criteria provided, single submitter. Criteria: Invitae Variant Classification Sherloc (09022015). Collection method: clinical testing. Allele origin: unknown.
Comment: For these reasons, this variant has been classified as Pathogenic. This variant has not been reported in the literature in individuals affected with ATM-related conditions. This variant is a gross deletion of the genomic region encompassing exon(s) 27-32 of the ATM gene. This deletion is out-of-frame, and is expected to create a premature termination codon and result in an absent or disrupted protein product. Loss-of-function variants in ATM are known to be pathogenic (PMID: 23807571, 25614872).

Literature cited by the submitters: PubMed 23807571; PubMed 25614872.

NC_000011.9:g.(?_108158168)_(108165796_?)del

Gene: ATM (ATM serine/threonine kinase; plus strand). Cytogenetic location: 11q22.3.
Variant type: Deletion.
Identifiers: ClinVar variation 3244473 (VCV003244473.1).